The following is an entry in ClinVar:

NM_000073.3(CD3G):c.128T>C (p.Leu43Pro)

Genes: CD3G (CD3 gamma subunit of T-cell receptor complex; plus strand), LOC126861358 (BRD4-independent group 4 enhancer GRCh37_chr11:118220212-118221411; plus strand). Cytogenetic location: 11q23.3.
Variant type: single nucleotide variant.
Coding change: c.128T>C on transcript NM_000073.3 (MANE Select); coding-DNA position 128, T replaced by C.
Protein change: p.Leu43Pro; replaces leucine 43 with proline.
Molecular consequence: missense variant.
Genome position (GRCh38, 1-based): chr11:118,349,791, T>C. VCF-style: chr11-118349791-T-C. GRCh37 (hg19) VCF-style: chr11-118220506-T-C.
Other names: short protein forms L43P.
Identifiers: ClinVar variation 648713 (VCV000648713.6), dbSNP rs1415147588, ClinGen allele CA382792325.
Genomic context (GRCh38, chr11:118,349,791, plus strand): 5'-TTCTCATTTCAGGAAACCACTTGGTTAAGGTGTATGACTATCAAGAAGATGGTTCGGTAC[T>C]TCTGACTTGTGATGCAGAAGCCAAAAATATCACATGGTTTAAAGATGGGAAGATGATCGG-3'
Protein context (NP_000064.1, residues 33-53): VYDYQEDGSV[Leu43Pro]LTCDAEAKNI

ClinVar aggregate classification (germline): Uncertain significance (1 of 4 stars; one submission).

Conditions:
Combined immunodeficiency due to CD3gamma deficiency. Also called: Immunodeficiency 17; CD3-GAMMA DEFICIENCY; SCID-LIKE IMMUNODEFICIENCY, T CELL-PARTIAL, B CELL-POSITIVE, NK CELL-POSITIVE; Immunodeficiency 17, CD3 gamma deficient. Identifiers: Orphanet 169082, MedGen C3810107, MONDO:0014276, OMIM 615607.

Allele frequency attached by ClinVar (database versions not stated): gnomAD 0.00001; gnomAD exomes 0.00001; TOPMed below 0.00001.
gnomAD v4.1: 12 of 1,614,054 alleles (0.00074%); highest among the groups gnomAD compares: Middle Eastern, 0.033%; no homozygotes.

Submission:

Labcorp Genetics (formerly Invitae), Labcorp
Classification: Uncertain significance for Combined immunodeficiency due to CD3gamma deficiency. Last evaluated: 2022-01-13. Review status: criteria provided, single submitter. Criteria: Invitae Variant Classification Sherloc (09022015). Collection method: clinical testing. Allele origin: germline.
Comment: This sequence change replaces leucine, which is neutral and non-polar, with proline, which is neutral and non-polar, at codon 43 of the CD3G protein (p.Leu43Pro). This variant is present in population databases (no rsID available, gnomAD 0.02%). This variant has not been reported in the literature in individuals affected with CD3G-related conditions. ClinVar contains an entry for this variant (Variation ID: 648713). Algorithms developed to predict the effect of missense changes on protein structure and function are either unavailable or do not agree on the potential impact of this missense change (SIFT: "Deleterious"; PolyPhen-2: "Possibly Damaging"; Align-GVGD: "Class C0"). In summary, the available evidence is currently insufficient to determine the role of this variant in disease. Therefore, it has been classified as a Variant of Uncertain Significance.